The following is an entry in ClinVar:

ClinVar aggregate classification (germline): Uncertain significance (1 of 4 stars; one submission).

Allele frequency attached by ClinVar (database versions not stated): TOPMed below 0.00001 and 0.00001; gnomAD 0.00001.
gnomAD v4.1: 1 of 1,559,880 alleles (0.000064%); highest among the groups gnomAD compares: African/African-American, 0.0014%; no homozygotes.

Submission:

GeneDx
Classification: Uncertain significance. Last evaluated: 2021-06-28. Review status: criteria provided, single submitter. Criteria: GeneDx Variant Classification Process June 2021. Collection method: clinical testing. Allele origin: germline. Affected: yes.
Comment: In silico analysis supports that this missense variant has a deleterious effect on protein structure/function; Has not been previously published as pathogenic or benign to our knowledge; This variant is associated with the following publications: (PMID: 27535533)

NM_005144.5(HR):c.2422A>G (p.Lys808Glu)

Gene: HR (HR lysine demethylase and nuclear receptor corepressor; minus strand). Cytogenetic location: 8p21.3.
Variant type: single nucleotide variant.
Coding change: c.2422A>G on transcript NM_005144.5 (MANE Select); coding-DNA position 2422, A replaced by G.
Protein change: p.Lys808Glu; replaces lysine 808 with glutamic acid.
Molecular consequence: missense variant.
Genome position (GRCh38, 1-based): chr8:22,120,904, T>C on the plus strand (A>G on the coding strand, the complement: HR is on the minus strand). VCF-style: chr8-22120904-T-C. GRCh37 (hg19) VCF-style: chr8-21978417-T-C.
Other names: c.2422A>G, p.Lys808Glu (NM_018411.4); short protein forms K808E.
Identifiers: ClinVar variation 546290 (VCV000546290.3), dbSNP rs915848259, ClinGen allele CA173491142.